The following is an entry in ClinVar:

ClinVar aggregate classification (germline): Uncertain significance (1 of 4 stars; one submission).

Allele frequency attached by ClinVar (database versions not stated): gnomAD exomes below 0.00001.
gnomAD v4.1: 1 of 1,614,078 alleles (0.000062%); highest among the groups gnomAD compares: Non-Finnish European, 0.000085%; no homozygotes.

Submission:

Labcorp Genetics (formerly Invitae), Labcorp
Classification: Uncertain significance. Last evaluated: 2022-03-10. Review status: criteria provided, single submitter. Criteria: Invitae Variant Classification Sherloc (09022015). Collection method: clinical testing. Allele origin: germline.
Comment: This variant has not been reported in the literature in individuals affected with CCT2-related conditions. ClinVar contains an entry for this variant (Variation ID: 1055466). Algorithms developed to predict the effect of missense changes on protein structure and function are either unavailable or do not agree on the potential impact of this missense change (SIFT: "Deleterious"; PolyPhen-2: "Benign"; Align-GVGD: "Class C15"). In summary, the available evidence is currently insufficient to determine the role of this variant in disease. Therefore, it has been classified as a Variant of Uncertain Significance. This variant is not present in population databases (gnomAD no frequency). This sequence change replaces aspartic acid, which is acidic and polar, with glycine, which is neutral and non-polar, at codon 177 of the CCT2 protein (p.Asp177Gly).

NM_006431.3(CCT2):c.530A>G (p.Asp177Gly)

Gene: CCT2 (chaperonin containing TCP1 subunit 2; plus strand). Cytogenetic location: 12q15.
Variant type: single nucleotide variant.
Coding change: c.530A>G on transcript NM_006431.3 (MANE Select); coding-DNA position 530, A replaced by G.
Protein change: p.Asp177Gly; replaces aspartic acid 177 with glycine.
Molecular consequence: missense variant.
Genome position (GRCh38, 1-based): chr12:69,589,568, A>G. VCF-style: chr12-69589568-A-G. GRCh37 (hg19) VCF-style: chr12-69983348-A-G.
Other names: c.389A>G, p.Asp130Gly (NM_001198842.2); short protein forms D130G, D177G.
Identifiers: ClinVar variation 1055466 (VCV001055466.9), dbSNP rs2135851641, ClinGen allele CA385726647.